The following is an entry in ClinVar:

ClinVar aggregate classification (germline): Uncertain significance (1 of 4 stars; one submission).

Allele frequency attached by ClinVar (database versions not stated): TOPMed below 0.00001.

Submission:

Labcorp Genetics (formerly Invitae), Labcorp
Classification: Uncertain significance. Last evaluated: 2021-12-02. Review status: criteria provided, single submitter. Criteria: Invitae Variant Classification Sherloc (09022015). Collection method: clinical testing. Allele origin: germline.
Comment: In summary, the available evidence is currently insufficient to determine the role of this variant in disease. Therefore, it has been classified as a Variant of Uncertain Significance. Algorithms developed to predict the effect of missense changes on protein structure and function are either unavailable or do not agree on the potential impact of this missense change (SIFT: "Deleterious"; PolyPhen-2: "Probably Damaging"; Align-GVGD: "Class C0"). This variant has not been reported in the literature in individuals affected with SHPK-related conditions. This variant is not present in population databases (gnomAD no frequency). This sequence change replaces arginine, which is basic and polar, with threonine, which is neutral and polar, at codon 376 of the SHPK protein (p.Arg376Thr).

NM_013276.4(SHPK):c.1127G>C (p.Arg376Thr)

Gene: SHPK (sedoheptulokinase; minus strand). Cytogenetic location: 17p13.2.
Variant type: single nucleotide variant.
Coding change: c.1127G>C on transcript NM_013276.4 (MANE Select); coding-DNA position 1127, G replaced by C.
Protein change: p.Arg376Thr; replaces arginine 376 with threonine.
Molecular consequence: missense variant.
Genome position (GRCh38, 1-based): chr17:3,610,870, C>G on the plus strand (G>C on the coding strand, the complement: SHPK is on the minus strand). VCF-style: chr17-3610870-C-G. GRCh37 (hg19) VCF-style: chr17-3514164-C-G.
Other names: short protein forms R376T.
Identifiers: ClinVar variation 1390119 (VCV001390119.6), dbSNP rs2075335199, ClinGen allele CA397698493.